The following is an entry in ClinVar:

NM_001271938.2(MEGF8):c.6057A>G (p.Thr2019=)

Gene: MEGF8 (multiple EGF like domains 8; plus strand). Cytogenetic location: 19q13.2.
Variant type: single nucleotide variant.
Coding change: c.6057A>G on transcript NM_001271938.2 (MANE Select); coding-DNA position 6057, A replaced by G.
Protein change: p.Thr2019=; no amino-acid change (threonine 2019 retained).
Molecular consequence: synonymous variant.
Genome position (GRCh38, 1-based): chr19:42,362,596, A>G. VCF-style: chr19-42362596-A-G. GRCh37 (hg19) VCF-style: chr19-42866748-A-G.
Other names: c.5856A>G, p.Thr1952= (NM_001410.3).
Identifiers: ClinVar variation 2068584 (VCV002068584.4), dbSNP rs1187536940, ClinGen allele CA507708361.

ClinVar aggregate classification (germline): Uncertain significance (1 of 4 stars; one submission).

Conditions:
MEGF8-related Carpenter syndrome. Also called: Carpenter syndrome 2. Identifiers: Orphanet 65759, MedGen C3554247, MONDO:0013998, OMIM 614976.

Allele frequency attached by ClinVar (database versions not stated): TOPMed 0.00004; gnomAD exomes below 0.00001; gnomAD 0.00003.
gnomAD v4.1: 9 of 1,608,008 alleles (0.00056%); highest among the groups gnomAD compares: African/African-American, 0.012%; no homozygotes.

Submission:

Labcorp Genetics (formerly Invitae), Labcorp
Classification: Uncertain significance for MEGF8-related Carpenter syndrome. Last evaluated: 2022-04-22. Review status: criteria provided, single submitter. Criteria: Invitae Variant Classification Sherloc (09022015). Collection method: clinical testing. Allele origin: germline.
Comment: This variant has not been reported in the literature in individuals affected with MEGF8-related conditions. The frequency data for this variant in the population databases is considered unreliable, as metrics indicate poor data quality at this position in the gnomAD database. This sequence change affects codon 1952 of the MEGF8 mRNA. It is a 'silent' change, meaning that it does not change the encoded amino acid sequence of the MEGF8 protein. It affects a nucleotide within the consensus splice site. Algorithms developed to predict the effect of sequence changes on RNA splicing suggest that this variant is not likely to affect RNA splicing. In summary, the available evidence is currently insufficient to determine the role of this variant in disease. Therefore, it has been classified as a Variant of Uncertain Significance.